The following is an entry in ClinVar:

ClinVar aggregate classification (germline): Uncertain significance (1 of 4 stars; one submission).

Conditions:
Inborn genetic diseases. Identifiers: MedGen C0950123, MeSH D030342.

Allele frequency attached by ClinVar (database versions not stated): gnomAD exomes below 0.00001; gnomAD 0.00001; TOPMed 0.00001.
gnomAD v4.1: 7 of 1,613,724 alleles (0.00043%); highest among the groups gnomAD compares: Admixed American, 0.0033%; no homozygotes.

Submission:

Ambry Genetics
Classification: Uncertain significance for Inborn genetic diseases. Last evaluated: 2022-07-19. Review status: criteria provided, single submitter. Criteria: Ambry Variant Classification Scheme 2023. Collection method: clinical testing. Allele origin: germline.
Comment: The p.T737M variant (also known as c.2210C>T), located in coding exon 15 of the MIB1 gene, results from a C to T substitution at nucleotide position 2210. The threonine at codon 737 is replaced by methionine, an amino acid with similar properties. This amino acid position is conserved. In addition, the in silico prediction for this alteration is inconclusive. Since supporting evidence is limited at this time, the clinical significance of this alteration remains unclear.

NM_020774.4(MIB1):c.2210C>T (p.Thr737Met)

Gene: MIB1 (MIB E3 ubiquitin protein ligase 1; plus strand). Cytogenetic location: 18q11.2.
Variant type: single nucleotide variant.
Coding change: c.2210C>T on transcript NM_020774.4 (MANE Select); coding-DNA position 2210, C replaced by T.
Protein change: p.Thr737Met; replaces threonine 737 with methionine.
Molecular consequence: missense variant.
Genome position (GRCh38, 1-based): chr18:21,844,252, C>T. VCF-style: chr18-21844252-C-T. GRCh37 (hg19) VCF-style: chr18-19424213-C-T.
Other names: short protein forms T737M.
Identifiers: ClinVar variation 1787763 (VCV001787763.2), dbSNP rs763996704, ClinGen allele CA296935375.